The following is an entry in ClinVar:

NM_004364.5(CEBPA):c.346G>A (p.Gly116Ser)

Gene: CEBPA (CCAAT enhancer binding protein alpha; minus strand). Cytogenetic location: 19q13.11.
Variant type: single nucleotide variant.
Coding change: c.346G>A on transcript NM_004364.5 (MANE Select); coding-DNA position 346, G replaced by A.
Protein change: p.Gly116Ser; replaces glycine 116 with serine.
Molecular consequence: missense variant. On other transcripts: 5 prime UTR variant (1).
Genome position (GRCh38, 1-based): chr19:33,302,069, C>T on the plus strand (G>A on the coding strand, the complement: CEBPA is on the minus strand). VCF-style: chr19-33302069-C-T. GRCh37 (hg19) VCF-style: chr19-33792975-C-T.
Other names: c.-12G>A (NM_001285829.2); c.451G>A, p.Gly151Ser (NM_001287424.2); c.304G>A, p.Gly102Ser (NM_001287435.2); short protein forms G102S, G116S, G151S.
Identifiers: ClinVar variation 2859306 (VCV002859306.4), dbSNP rs1262534786, ClinGen allele CA405275144.

ClinVar aggregate classification (germline): Conflicting classifications of pathogenicity. Review status: criteria provided, conflicting classifications (1 of 4 stars). 2 submissions from 2 submitters: Uncertain significance (1); Likely benign (1). Last evaluated 2026-01-15.

Conditions:
Acute myeloid leukemia (AML). Also called: Acute myeloid leukemia, adult; AML adult; Acute non-lymphocytic leukemia; Acute granulocytic leukemia; Leukemia, acute myeloid, somatic; Leukemia, acute myelogenous, somatic. Identifiers: Orphanet 519, MedGen C0023467, MeSH D015470, MONDO:0018874, OMIM 601626, HP:0004808. Disease mechanism: Constitutively activated FLT3.
Inborn genetic diseases. Identifiers: MedGen C0950123, MeSH D030342.

Allele frequency attached by ClinVar (database versions not stated): TOPMed below 0.00001; gnomAD 0.00001.

Submissions (2):

Ambry Genetics
Classification: Likely benign for Inborn genetic diseases. Last evaluated: 2026-01-15. Review status: criteria provided, single submitter. Criteria: Ambry Variant Classification Scheme 2023. Collection method: clinical testing. Allele origin: germline.

Labcorp Genetics (formerly Invitae), Labcorp
Classification: Uncertain significance for Acute myeloid leukemia. Last evaluated: 2023-04-26. Review status: criteria provided, single submitter. Criteria: Invitae Variant Classification Sherloc (09022015). Collection method: clinical testing. Allele origin: germline.
Comment: In summary, the available evidence is currently insufficient to determine the role of this variant in disease. Therefore, it has been classified as a Variant of Uncertain Significance. An algorithm developed to predict the effect of missense changes on protein structure and function (PolyPhen-2) suggests that this variant is likely to be tolerated. This variant has not been reported in the literature in individuals affected with CEBPA-related conditions. The frequency data for this variant in the population databases is considered unreliable, as metrics indicate insufficient coverage at this position in the gnomAD database. This sequence change replaces glycine, which is neutral and non-polar, with serine, which is neutral and polar, at codon 116 of the CEBPA protein (p.Gly116Ser).